The following is an entry in ClinVar:

NM_000100.4(CSTB):c.47C>T (p.Thr16Ile)

Genes: CSTB (cystatin B; minus strand), LOC130066788 (ATAC-STARR-seq lymphoblastoid silent region 13368; plus strand). Cytogenetic location: 21q22.3.
Variant type: single nucleotide variant.
Coding change: c.47C>T on transcript NM_000100.4 (MANE Select); coding-DNA position 47, C replaced by T.
Protein change: p.Thr16Ile; replaces threonine 16 with isoleucine.
Molecular consequence: missense variant.
Genome position (GRCh38, 1-based): chr21:43,776,223, G>A on the plus strand (C>T on the coding strand, the complement: CSTB is on the minus strand). VCF-style: chr21-43776223-G-A. GRCh37 (hg19) VCF-style: chr21-45196104-G-A.
Other names: short protein forms T16I.
Identifiers: ClinVar variation 1023817 (VCV001023817.9), dbSNP rs2084009370, ClinGen allele CA410408628.

ClinVar aggregate classification (germline): Uncertain significance (1 of 4 stars; one submission).

Conditions:
Progressive myoclonic epilepsy. Also called: Myoclonus epilepsy; Familial progressive myoclonic epilepsy; Myoclonic Epilepsies, Progressive; Progressive myoclonus epilepsy. Identifiers: Orphanet 308, Orphanet 98261, MedGen C0751778, MONDO:0020074.

Allele frequency attached by ClinVar (database versions not stated): gnomAD exomes below 0.00001.

Submission:

Labcorp Genetics (formerly Invitae), Labcorp
Classification: Uncertain significance for Progressive myoclonic epilepsy. Last evaluated: 2022-08-09. Review status: criteria provided, single submitter. Criteria: Invitae Variant Classification Sherloc (09022015). Collection method: clinical testing. Allele origin: germline.
Comment: In summary, the available evidence is currently insufficient to determine the role of this variant in disease. Therefore, it has been classified as a Variant of Uncertain Significance. Algorithms developed to predict the effect of missense changes on protein structure and function output the following: SIFT: "Tolerated"; PolyPhen-2: "Benign"; Align-GVGD: "Class C0". The isoleucine amino acid residue is found in multiple mammalian species, which suggests that this missense change does not adversely affect protein function. ClinVar contains an entry for this variant (Variation ID: 1023817). This variant has not been reported in the literature in individuals affected with CSTB-related conditions. This variant is not present in population databases (gnomAD no frequency). This sequence change replaces threonine, which is neutral and polar, with isoleucine, which is neutral and non-polar, at codon 16 of the CSTB protein (p.Thr16Ile).